The following is an entry in ClinVar:

NM_000416.3(IFNGR1):c.111T>G (p.Ile37Met)

Gene: IFNGR1 (interferon gamma receptor 1; minus strand). Cytogenetic location: 6q23.3.
Variant type: single nucleotide variant.
Coding change: c.111T>G on transcript NM_000416.3 (MANE Select); coding-DNA position 111, T replaced by G.
Protein change: p.Ile37Met; replaces isoleucine 37 with methionine.
Molecular consequence: missense variant. On other transcripts: 5 prime UTR variant (1).
Genome position (GRCh38, 1-based): chr6:137,207,052, A>C on the plus strand (T>G on the coding strand, the complement: IFNGR1 is on the minus strand). VCF-style: chr6-137207052-A-C. GRCh37 (hg19) VCF-style: chr6-137528189-A-C.
Other names: c.81T>G, p.Ile27Met (NM_001363526.1); c.-13T>G (NM_001363527.1); short protein forms I37M, I27M.
Identifiers: ClinVar variation 641232 (VCV000641232.8), dbSNP rs762424077, ClinGen allele CA365776182.

ClinVar aggregate classification (germline): Uncertain significance (1 of 4 stars; one submission).

Conditions:
Disseminated atypical mycobacterial infection. Identifiers: MedGen C0694566.

Allele frequency attached by ClinVar (database versions not stated): gnomAD exomes below 0.00001.
gnomAD v4.1: 8 of 1,614,016 alleles (0.0005%); highest among the groups gnomAD compares: African/African-American, 0.0093%; no homozygotes.

Submission:

Labcorp Genetics (formerly Invitae), Labcorp
Classification: Uncertain significance for Disseminated atypical mycobacterial infection. Last evaluated: 2023-11-27. Review status: criteria provided, single submitter. Criteria: Invitae Variant Classification Sherloc (09022015). Collection method: clinical testing. Allele origin: germline.
Comment: This sequence change replaces isoleucine, which is neutral and non-polar, with methionine, which is neutral and non-polar, at codon 37 of the IFNGR1 protein (p.Ile37Met). This variant is present in population databases (no rsID available, gnomAD 0.007%). This variant has not been reported in the literature in individuals affected with IFNGR1-related conditions. ClinVar contains an entry for this variant (Variation ID: 641232). Advanced modeling of protein sequence and biophysical properties (such as structural, functional, and spatial information, amino acid conservation, physicochemical variation, residue mobility, and thermodynamic stability) has been performed at Invitae for this missense variant, however the output from this modeling did not meet the statistical confidence thresholds required to predict the impact of this variant on IFNGR1 protein function. In summary, the available evidence is currently insufficient to determine the role of this variant in disease. Therefore, it has been classified as a Variant of Uncertain Significance.